The following is an entry in ClinVar:

NM_000540.3(RYR1):c.7909G>T (p.Ala2637Ser)

Gene: RYR1 (ryanodine receptor 1; plus strand). Cytogenetic location: 19q13.2.
Variant type: single nucleotide variant.
Coding change: c.7909G>T on transcript NM_000540.3 (MANE Select); coding-DNA position 7909, G replaced by T.
Protein change: p.Ala2637Ser; replaces alanine 2637 with serine.
Molecular consequence: missense variant.
Genome position (GRCh38, 1-based): chr19:38,502,953, G>T. VCF-style: chr19-38502953-G-T. GRCh37 (hg19) VCF-style: chr19-38993593-G-T.
Other names: c.7909G>T, p.Ala2637Ser (NM_001042723.2); short protein forms A2637S.
Identifiers: ClinVar variation 2912303 (VCV002912303.3), dbSNP rs1204662800, ClinGen allele CA405674200.

ClinVar aggregate classification (germline): Uncertain significance (1 of 4 stars; one submission).

Conditions:
RYR1-related disorder. Also called: RYR1-related condition; RYR1-related disorders. Identifiers: MedGen CN239331.

gnomAD v4.1: 1 of 1,609,876 alleles (0.000062%); highest among the groups gnomAD compares: Non-Finnish European, 0.000085%; no homozygotes.

Submission:

Labcorp Genetics (formerly Invitae), Labcorp
Classification: Uncertain significance for RYR1-related disorder. Last evaluated: 2023-09-27. Review status: criteria provided, single submitter. Criteria: Invitae Variant Classification Sherloc (09022015). Collection method: clinical testing. Allele origin: germline.
Comment: In summary, the available evidence is currently insufficient to determine the role of this variant in disease. Therefore, it has been classified as a Variant of Uncertain Significance. Advanced modeling of protein sequence and biophysical properties (such as structural, functional, and spatial information, amino acid conservation, physicochemical variation, residue mobility, and thermodynamic stability) performed at Invitae indicates that this missense variant is not expected to disrupt RYR1 protein function. This variant has not been reported in the literature in individuals affected with RYR1-related conditions. This variant is not present in population databases (gnomAD no frequency). This sequence change replaces alanine, which is neutral and non-polar, with serine, which is neutral and polar, at codon 2637 of the RYR1 protein (p.Ala2637Ser).